The following is an entry in ClinVar:

ClinVar aggregate classification (germline): Pathogenic (1 of 4 stars; one submission).

Conditions:
Inborn genetic diseases. Identifiers: MedGen C0950123, MeSH D030342.

Submission:

Ambry Genetics
Classification: Pathogenic for Inborn genetic diseases. Last evaluated: 2023-09-26. Review status: criteria provided, single submitter. Criteria: Ambry Variant Classification Scheme 2023. Collection method: clinical testing. Allele origin: germline.
Comment: The c.1256dupG (p.G420Wfs*19) alteration, located in exon 4 (coding exon 3) of the ZBTB20 gene, consists of a duplication of G at position 1256, causing a translational frameshift with a predicted alternate stop codon after 19 amino acids. This alteration is expected to result in loss of function by premature protein truncation or nonsense-mediated mRNA decay._x000D_ _x000D_ _x000D_ _x000D_ for ZBTB20-related neurodevelopmental disorder; however, its clinical significance for Primrose syndrome is uncertain. This variant was not reported in population-based cohorts in the Genome Aggregation Database (gnomAD). Based on the available evidence, this alteration is classified as pathogenic.

NM_001348800.3(ZBTB20):c.1256dup (p.Gly420fs)

Gene: ZBTB20 (zinc finger and BTB domain containing 20; minus strand). Cytogenetic location: 3q13.31.
Variant type: Duplication.
Coding change: c.1256dup on transcript NM_001348800.3 (MANE Select); coding-DNA position 1256, one base duplicated (G; older notation c.1256dupG).
Protein change: p.Gly420fs; shifts the reading frame from glycine 420.
Molecular consequence: frameshift variant.
Genome position (GRCh38, 1-based): chr3:114,350,822, C duplicated on the plus strand (G on the coding strand, the reverse complement: ZBTB20 is on the minus strand); the first of 3 consecutive C bases (chr3:114,350,822-114,350,824); duplicating any one gives the same sequence. VCF-style (leftmost placement, unchanged base first): chr3-114350821-A-AC. GRCh37 (hg19) VCF-style: chr3-114069668-A-AC.
Other names: c.1256dup, p.Gly420fs (NM_001164342.2, NM_001348803.3, NM_001393393.1 and 1 more transcripts); c.1037dup, p.Gly347fs (NM_001164343.2, NM_001164344.4, NM_001164345.4 and 9 more transcripts); short protein forms G347fs, G420fs.
Identifiers: ClinVar variation 521511 (VCV000521511.4), dbSNP rs1553794464, ClinGen allele CA658796353.